The following is an entry in ClinVar:

NM_018706.7(DHTKD1):c.973G>A (p.Val325Ile)

Gene: DHTKD1 (dehydrogenase E1 and transketolase domain containing 1; plus strand). Cytogenetic location: 10p14.
Variant type: single nucleotide variant.
Coding change: c.973G>A on transcript NM_018706.7 (MANE Select); coding-DNA position 973, G replaced by A.
Protein change: p.Val325Ile; replaces valine 325 with isoleucine.
Molecular consequence: missense variant.
Genome position (GRCh38, 1-based): chr10:12,089,241, G>A. VCF-style: chr10-12089241-G-A. GRCh37 (hg19) VCF-style: chr10-12131240-G-A.
Other names: c.973G>A (NM_018706.5); short protein forms V325I.
Identifiers: ClinVar variation 2060735 (VCV002060735.5), dbSNP rs141096646, ClinGen allele CA5407701.
Genomic context (GRCh38, chr10:12,089,241, plus strand): 5'-CAGCAGTCTCGCCAAGACGGCGATTACTCTCCAGACAACTCAGCCCAGCCGGGGGACAGG[G>A]TCATTTGCTTACAGGTACTTGGAGCTTCTGAAATTGAGGCCAGAGGTGGGGAAAACTGGG-3'
Protein context (NP_061176.4, residues 315-335): PDNSAQPGDR[Val325Ile]ICLQVHGDAS

ClinVar aggregate classification (germline): Uncertain significance. Review status: criteria provided, multiple submitters, no conflicts (2 of 4 stars). 2 submissions from 2 submitters: Uncertain significance (2). Last evaluated 2026-01-11.

Conditions:
Inborn genetic diseases. Identifiers: MedGen C0950123, MeSH D030342.
2-aminoadipic 2-oxoadipic aciduria (AAKAD). Also called: ALPHA-AMINOADIPIC AND ALPHA-KETOADIPIC ACIDURIA; Aminoadipic aciduria. Identifiers: Orphanet 79154, MedGen C1859817, MONDO:0008774, OMIM 204750.

Allele frequency attached by ClinVar (database versions not stated): ExAC 0.00012; ESP Exome Variant Server 0.00031; 1000 Genomes Project 0.00040; gnomAD 0.00040; 1000 Genomes Project 30x 0.00047; TOPMed 0.00050.
gnomAD v4.1: 134 of 1,613,980 alleles (0.0083%); highest among the groups gnomAD compares: African/African-American, 0.14%; no homozygotes.

Submissions (2):

Labcorp Genetics (formerly Invitae), Labcorp
Classification: Uncertain significance for 2-aminoadipic 2-oxoadipic aciduria. Last evaluated: 2026-01-11. Review status: criteria provided, single submitter. Criteria: Invitae Variant Classification Sherloc (09022015). Collection method: clinical testing. Allele origin: germline.
Comment: This sequence change replaces valine, which is neutral and non-polar, with isoleucine, which is neutral and non-polar, at codon 325 of the DHTKD1 protein (p.Val325Ile). This variant is present in population databases (rs141096646, gnomAD 0.1%). This variant has not been reported in the literature in individuals affected with DHTKD1-related conditions. ClinVar contains an entry for this variant (Variation ID: 2060735). Invitae Evidence Modeling of protein sequence and biophysical properties (such as structural, functional, and spatial information, amino acid conservation, physicochemical variation, residue mobility, and thermodynamic stability) indicates that this missense variant is not expected to disrupt DHTKD1 protein function with a negative predictive value of 80%. In summary, the available evidence is currently insufficient to determine the role of this variant in disease. Therefore, it has been classified as a Variant of Uncertain Significance.

Ambry Genetics
Classification: Uncertain significance for Inborn genetic diseases. Last evaluated: 2023-12-18. Review status: criteria provided, single submitter. Criteria: Ambry Variant Classification Scheme 2023. Collection method: clinical testing. Allele origin: germline.